The following is an entry in ClinVar:

ClinVar aggregate classification (germline): Uncertain significance. Review status: criteria provided, multiple submitters, no conflicts (2 of 4 stars). 2 submissions from 2 submitters: Uncertain significance (2). Last evaluated 2024-05-05.

Conditions:
Autosomal dominant Parkinson disease 8. Also called: Parkinson disease 8, susceptibility to; LRRK2-Related Parkinson Disease; Parkinson disease 8. Identifiers: Orphanet 411602, MedGen C1846862, MONDO:0011764, OMIM 607060.
Inborn genetic diseases. Identifiers: MedGen C0950123, MeSH D030342.

Allele frequency attached by ClinVar (database versions not stated): gnomAD exomes below 0.00001; ExAC 0.00001.

Submissions (2):

Ambry Genetics
Classification: Uncertain significance for Inborn genetic diseases. Last evaluated: 2024-05-05. Review status: criteria provided, single submitter. Criteria: Ambry Variant Classification Scheme 2023. Collection method: clinical testing. Allele origin: germline.
Comment: The p.N1062D variant (also known as c.3184A>G), located in coding exon 24 of the LRRK2 gene, results from an A to G substitution at nucleotide position 3184. The asparagine at codon 1062 is replaced by aspartic acid, an amino acid with highly similar properties. This amino acid position is conserved. In addition, this alteration is predicted to be tolerated by in silico analysis. Based on the available evidence, the clinical significance of this variant remains unclear.

Labcorp Genetics (formerly Invitae), Labcorp
Classification: Uncertain significance for Autosomal dominant Parkinson disease 8. Last evaluated: 2020-02-22. Review status: criteria provided, single submitter. Criteria: Invitae Variant Classification Sherloc (09022015). Collection method: clinical testing. Allele origin: germline.
Comment: In summary, the available evidence is currently insufficient to determine the role of this variant in disease. Therefore, it has been classified as a Variant of Uncertain Significance. Algorithms developed to predict the effect of missense changes on protein structure and function (SIFT, PolyPhen-2, Align-GVGD) all suggest that this variant is likely to be tolerated, but these predictions have not been confirmed by published functional studies and their clinical significance is uncertain. This variant has not been reported in the literature in individuals with LRRK2-related disease. This variant is present in population databases (rs201935017, ExAC 0.002%). This sequence change replaces asparagine with aspartic acid at codon 1062 of the LRRK2 protein (p.Asn1062Asp). The asparagine residue is weakly conserved and there is a small physicochemical difference between asparagine and aspartic acid.

NM_198578.4(LRRK2):c.3184A>G (p.Asn1062Asp)

Gene: LRRK2 (leucine rich repeat kinase 2; plus strand). Cytogenetic location: 12q12.
Variant type: single nucleotide variant.
Coding change: c.3184A>G on transcript NM_198578.4 (MANE Select); coding-DNA position 3184, A replaced by G.
Protein change: p.Asn1062Asp; replaces asparagine 1062 with aspartic acid.
Molecular consequence: missense variant.
Genome position (GRCh38, 1-based): chr12:40,298,330, A>G. VCF-style: chr12-40298330-A-G. GRCh37 (hg19) VCF-style: chr12-40692132-A-G.
Other names: short protein forms N1062D.
Identifiers: ClinVar variation 647579 (VCV000647579.9), dbSNP rs201935017, ClinGen allele CA6513854.